The following is an entry in ClinVar:

NM_014000.3(VCL):c.2600A>C (p.Glu867Ala)

Gene: VCL (vinculin; plus strand). Cytogenetic location: 10q22.2.
Variant type: single nucleotide variant.
Coding change: c.2600A>C on transcript NM_014000.3 (MANE Select); coding-DNA position 2600, A replaced by C.
Protein change: p.Glu867Ala; replaces glutamic acid 867 with alanine.
Molecular consequence: missense variant.
Genome position (GRCh38, 1-based): chr10:74,109,011, A>C. VCF-style: chr10-74109011-A-C. GRCh37 (hg19) VCF-style: chr10-75868769-A-C.
Other names: c.2600A>C, p.Glu867Ala (NM_003373.4); short protein forms E867A.
Identifiers: ClinVar variation 4842808 (VCV004842808.1).

ClinVar aggregate classification (germline): Uncertain significance (1 of 4 stars; one submission).

Conditions:
Cardiovascular phenotype. Identifiers: MedGen CN230736.

Submission:

Ambry Genetics
Classification: Uncertain significance for Cardiovascular phenotype. Last evaluated: 2025-12-21. Review status: criteria provided, single submitter. Criteria: Ambry Variant Classification Scheme 2023. Collection method: clinical testing. Allele origin: germline.
Comment: The p.E867A variant (also known as c.2600A>C), located in coding exon 18 of the VCL gene, results from an A to C substitution at nucleotide position 2600. The glutamic acid at codon 867 is replaced by alanine, an amino acid with dissimilar properties. This amino acid position is conserved. In addition, this alteration is predicted to be tolerated by in silico analysis. Based on the available evidence, the clinical significance of this variant remains unclear.